The following is an entry in ClinVar:

NM_001384474.1(LOXHD1):c.1469G>A (p.Arg490Gln)

Gene: LOXHD1 (lipoxygenase homology PLAT domains 1; minus strand). Cytogenetic location: 18q21.1.
Variant type: single nucleotide variant.
Coding change: c.1469G>A on transcript NM_001384474.1 (MANE Select); coding-DNA position 1469, G replaced by A.
Protein change: p.Arg490Gln; replaces arginine 490 with glutamine.
Molecular consequence: missense variant.
Genome position (GRCh38, 1-based): chr18:46,592,547, C>T on the plus strand (G>A on the coding strand, the complement: LOXHD1 is on the minus strand). VCF-style: chr18-46592547-C-T. GRCh37 (hg19) VCF-style: chr18-44172510-C-T.
Other names: c.1469G>A, p.Arg490Gln (NM_144612.7); short protein forms R490Q.
Identifiers: ClinVar variation 47917 (VCV000047917.6), dbSNP rs397517860, ClinGen allele CA142183.
Genomic context (GRCh38, chr18:46,592,547, plus strand): 5'-GTGCATCTCACCCTTTCTAAATGCCATCCAGAACCAGAACTCCTTTTATCATGCCATACT[C>T]GAATCTTATAAAACCTGCCAAGATCCGGGAGCTCAATCTATGGTGAGAAATAAAAACATT-3'
Protein context (NP_001371403.1, residues 480-500): LPDLGRFYKI[Arg490Gln]VWHDKRSSGS

ClinVar aggregate classification (germline): Uncertain significance. Review status: criteria provided, multiple submitters, no conflicts (2 of 4 stars). 3 submissions from 3 submitters: Uncertain significance (2). 1 of the submissions does not count toward it. Last evaluated 2023-01-30.

Conditions:
Autosomal recessive nonsyndromic hearing loss 77. Identifiers: Orphanet 90636, MedGen C2746083, MONDO:0013119, OMIM 613079.

Allele frequency attached by ClinVar (database versions not stated): TOPMed below 0.00001; gnomAD exomes 0.00001 and 0.00003; ExAC 0.00004.
gnomAD v4.1: 45 of 1,551,594 alleles (0.0029%); highest among the groups gnomAD compares: Non-Finnish European, 0.0037%; no homozygotes.

Submissions (3):

Blueprint Genetics
Classification: Uncertain significance. Last evaluated: 2023-01-30. Review status: criteria provided, single submitter. Criteria: ACMG Guidelines, 2015. Collection method: clinical testing. Allele origin: germline.

Laboratory for Molecular Medicine, Mass General Brigham Personalized Medicine
Classification: Uncertain significance. Last evaluated: 2013-02-05. Review status: criteria provided, single submitter. Criteria: LMM Criteria. Collection method: clinical testing. Allele origin: germline. Observed: 1 variant allele.
Comment: The Arg490Gln variant in LOXHD1 has not been reported in the literature nor prev iously identified by our laboratory. Computational analyses (biochemical amino a cid properties, conservation, AlignGVGD, PolyPhen2, and SIFT) do not provide str ong support for or against an impact to the protein. In summary, additional data is needed to determine the clinical significance of this variant.

Natera, Inc.
Classification: Uncertain significance for Autosomal recessive deafness type 77. Last evaluated: 2019-10-28. Review status: no assertion criteria provided. Collection method: clinical testing. Allele origin: germline. Not counted in ClinVar's aggregate classification.